The following is an entry in ClinVar:

NM_006397.3(RNASEH2A):c.361G>A (p.Ala121Thr)

Gene: RNASEH2A (ribonuclease H2 subunit A; plus strand). Cytogenetic location: 19p13.13.
Variant type: single nucleotide variant.
Coding change: c.361G>A on transcript NM_006397.3 (MANE Select); coding-DNA position 361, G replaced by A.
Protein change: p.Ala121Thr; replaces alanine 121 with threonine.
Molecular consequence: missense variant.
Genome position (GRCh38, 1-based): chr19:12,807,456, G>A. VCF-style: chr19-12807456-G-A. GRCh37 (hg19) VCF-style: chr19-12918270-G-A.
Other names: short protein forms A121T.
Identifiers: ClinVar variation 1064396 (VCV001064396.5), dbSNP rs753384166, ClinGen allele CA9231863.

ClinVar aggregate classification (germline): Uncertain significance. Review status: criteria provided, multiple submitters, no conflicts (2 of 4 stars). 2 submissions from 2 submitters: Uncertain significance (2). Last evaluated 2022-08-31.

Conditions:
Aicardi-Goutieres syndrome 4. Identifiers: Orphanet 51, MedGen C1835912, MONDO:0012472, OMIM 610333.

Allele frequency attached by ClinVar (database versions not stated): gnomAD exomes below 0.00001 and 0.00001; ExAC 0.00001; gnomAD 0.00001; TOPMed 0.00002.
gnomAD v4.1: 6 of 1,614,094 alleles (0.00037%); highest among the groups gnomAD compares: Admixed American, 0.0083%; no homozygotes.

Submissions (2):

Labcorp Genetics (formerly Invitae), Labcorp
Classification: Uncertain significance for Aicardi-Goutieres syndrome 4. Last evaluated: 2022-08-31. Review status: criteria provided, single submitter. Criteria: Invitae Variant Classification Sherloc (09022015). Collection method: clinical testing. Allele origin: germline.
Comment: This sequence change replaces alanine, which is neutral and non-polar, with threonine, which is neutral and polar, at codon 121 of the RNASEH2A protein (p.Ala121Thr). This variant is present in population databases (rs753384166, gnomAD 0.006%). This missense change has been observed in individual(s) with systemic lupus erythematosus (PMID: 25500883). ClinVar contains an entry for this variant (Variation ID: 1064396). Algorithms developed to predict the effect of missense changes on protein structure and function are either unavailable or do not agree on the potential impact of this missense change (SIFT: "Tolerated"; PolyPhen-2: "Probably Damaging"; Align-GVGD: "Class C0"). In summary, the available evidence is currently insufficient to determine the role of this variant in disease. Therefore, it has been classified as a Variant of Uncertain Significance.

Blueprint Genetics
Classification: Uncertain significance. Last evaluated: 2020-06-01. Review status: criteria provided, single submitter. Criteria: ACMG Guidelines, 2015. Collection method: clinical testing. Allele origin: germline.

Literature cited by the submitters: PubMed 25500883 (cited by Labcorp Genetics (formerly Invitae), Labcorp).